The following is an entry in ClinVar:

NM_000051.4(ATM):c.9022C>A (p.Arg3008Ser)

Genes: C11orf65 (chromosome 11 open reading frame 65; minus strand), ATM (ATM serine/threonine kinase; plus strand). Cytogenetic location: 11q22.3.
Variant type: single nucleotide variant.
Coding change: c.9022C>A on transcript NM_000051.4 (MANE Select); coding-DNA position 9022, C replaced by A.
Protein change: p.Arg3008Ser; replaces arginine 3008 with serine.
Molecular consequence: missense variant. On other transcripts: intron variant (2).
Genome position (GRCh38, 1-based): chr11:108,365,359, C>A. VCF-style: chr11-108365359-C-A. GRCh37 (hg19) VCF-style: chr11-108236086-C-A.
Other names: c.9022C>A, p.Arg3008Ser (NM_001351834.2); c.640+20561G>T (NM_001330368.2); c.694+20561G>T (NM_001351110.2); short protein forms R3008S.
Identifiers: ClinVar variation 822905 (VCV000822905.12), dbSNP rs587782292, ClinGen allele CA382531130.

ClinVar aggregate classification (germline): Conflicting classifications of pathogenicity. Review status: criteria provided, conflicting classifications (1 of 4 stars). 2 submissions from 2 submitters: Likely pathogenic (1); Uncertain significance (1). Last evaluated 2025-10-15.

Conditions:
Hereditary cancer-predisposing syndrome. Also called: Tumor predisposition; Neoplastic Syndromes, Hereditary; Hereditary Cancer Syndrome; Hereditary neoplastic syndrome. Identifiers: Orphanet 140162, MedGen C0027672, MeSH D009386, MONDO:0015356.
Ataxia-telangiectasia syndrome (AT). Also called: ATAXIA-TELANGIECTASIA, COMPLEMENTATION GROUP A; ATAXIA-TELANGIECTASIA, FRESNO VARIANT; Ataxia-telangiectasia; Ataxia-telangiectasia, complementation group D; AT, COMPLEMENTATION GROUP C; Ataxia-telangiectasia, complementation group E. Identifiers: Orphanet 100, MedGen C0004135, MONDO:0008840, OMIM 208900.

Submissions (2):

Labcorp Genetics (formerly Invitae), Labcorp
Classification: Uncertain significance for Ataxia-telangiectasia syndrome. Last evaluated: 2025-10-15. Review status: criteria provided, single submitter. Criteria: Invitae Variant Classification Sherloc (09022015). Collection method: clinical testing. Allele origin: germline.
Comment: This sequence change replaces arginine, which is basic and polar, with serine, which is neutral and polar, at codon 3008 of the ATM protein (p.Arg3008Ser). This variant is not present in population databases (gnomAD no frequency). This variant has not been reported in the literature in individuals affected with ATM-related conditions. ClinVar contains an entry for this variant (Variation ID: 822905). Invitae Evidence Modeling of protein sequence and biophysical properties (such as structural, functional, and spatial information, amino acid conservation, physicochemical variation, residue mobility, and thermodynamic stability) has been performed for this missense variant. However, the output from this modeling did not meet the statistical confidence thresholds required to predict the impact of this variant on ATM protein function. This variant disrupts the p.Arg3008 amino acid residue in ATM. Other variant(s) that disrupt this residue have been determined to be pathogenic (PMID: 9872980, 10817650, 12552566, 15101044, 18573109, 19431188, 21665257, 30549301). This suggests that this residue is clinically significant, and that variants that disrupt this residue are likely to be disease-causing. In summary, the available evidence is currently insufficient to determine the role of this variant in disease. Therefore, it has been classified as a Variant of Uncertain Significance.

Ambry Genetics
Classification: Likely pathogenic for Hereditary cancer-predisposing syndrome. Last evaluated: 2019-08-27. Review status: criteria provided, single submitter. Criteria: Ambry Variant Classification Scheme 2023. Collection method: clinical testing. Allele origin: germline.
Comment: The p.R3008S variant (also known as c.9022C>A), located in coding exon 62 of the ATM gene, results from a C to A substitution at nucleotide position 9022. The arginine at codon 3008 is replaced by serine, an amino acid with dissimilar properties. A well described pathogenic mutation has been reported at the same codon as this alteration, p.R3008C. This pathogenic mutation has been reported in a homozygous state in patients with classic A-T and has been shown to result in absent kinase activity. (Hacia J et al. Genome Res. 1998 Dec;8(12):1245-58; Barone G et al Hum Mutat. 2009 Aug;30(8):1222-30; Angele S et al. Hum Mutat. 2003 Feb;21(2):169-70). A second pathogenic mutation at this codon, p.R3008H, has been reported in conjunction with a nonsense ATM mutation in a child with ataxia-telangiectasia (A-T) (Paglia LL et al. Breast Cancer Res.Treat. 2010; 119:443-52). This variant was not reported in population-based cohorts in the Genome Aggregation Database (gnomAD). This amino acid position is highly conserved in available vertebrate species. In addition, the in silico prediction for this alteration is inconclusive. Based on the majority of available evidence to date, this variant is likely to be pathogenic.

Literature cited by the submitters: PubMed 9872980 (cited by Labcorp Genetics (formerly Invitae), Labcorp); PubMed 10817650 (cited by Labcorp Genetics (formerly Invitae), Labcorp); PubMed 12552566 (cited by Labcorp Genetics (formerly Invitae), Labcorp); PubMed 15101044 (cited by Labcorp Genetics (formerly Invitae), Labcorp); PubMed 18573109 (cited by Labcorp Genetics (formerly Invitae), Labcorp); PubMed 19431188 (cited by Labcorp Genetics (formerly Invitae), Labcorp); PubMed 21665257 (cited by Labcorp Genetics (formerly Invitae), Labcorp); PubMed 30549301 (cited by Labcorp Genetics (formerly Invitae), Labcorp).